The following is an entry in ClinVar:

ClinVar aggregate classification (germline): Uncertain significance (1 of 4 stars; one submission).

Conditions:
3-methylglutaconic aciduria, type VIIB (MGCA7B). Also called: CLPB Deficiency; 3-methylglutaconic aciduria with cataracts, neurologic involvement and neutropenia; 3-methylglutaconic aciduria, type VII, with cataracts, neurologic involvement and neutropenia. Identifiers: Orphanet 445038, MedGen C5676893, MONDO:0014561, OMIM 616271.

Allele frequency attached by ClinVar (database versions not stated): ExAC 0.00002.
gnomAD v4.1: 3 of 1,613,180 alleles (0.00019%); highest among the groups gnomAD compares: Admixed American, 0.0033%; no homozygotes.

Submission:

Labcorp Genetics (formerly Invitae), Labcorp
Classification: Uncertain significance for 3-methylglutaconic aciduria, type VIIB. Last evaluated: 2025-05-07. Review status: criteria provided, single submitter. Criteria: Invitae Variant Classification Sherloc (09022015). Collection method: clinical testing. Allele origin: germline.
Comment: This sequence change replaces arginine, which is basic and polar, with serine, which is neutral and polar, at codon 73 of the CLPB protein (p.Arg73Ser). This variant is present in population databases (rs779226751, gnomAD 0.006%). This variant has not been reported in the literature in individuals affected with CLPB-related conditions. ClinVar contains an entry for this variant (Variation ID: 2876021). An algorithm developed to predict the effect of missense changes on protein structure and function outputs the following: PolyPhen-2: "Benign". The serine amino acid residue is found in multiple mammalian species, which suggests that this missense change does not adversely affect protein function. In summary, the available evidence is currently insufficient to determine the role of this variant in disease. Therefore, it has been classified as a Variant of Uncertain Significance.

NM_001258392.3(CLPB):c.217C>A (p.Arg73Ser)

Genes: CLPB (ClpB family mitochondrial disaggregase; minus strand), LOC130006336 (ATAC-STARR-seq lymphoblastoid active region 5191; plus strand). Cytogenetic location: 11q13.4.
Variant type: single nucleotide variant.
Coding change: c.217C>A on transcript NM_001258392.3 (MANE Select); coding-DNA position 217, C replaced by A.
Protein change: p.Arg73Ser; replaces arginine 73 with serine.
Molecular consequence: missense variant. On other transcripts: 5 prime UTR variant (1).
Genome position (GRCh38, 1-based): chr11:72,434,258, G>T on the plus strand (C>A on the coding strand, the complement: CLPB is on the minus strand). VCF-style: chr11-72434258-G-T. GRCh37 (hg19) VCF-style: chr11-72145302-G-T.
Other names: c.217C>A, p.Arg73Ser (NM_001258393.3, NM_030813.6); c.-26C>A (NM_001258394.3); short protein forms R73S.
Identifiers: ClinVar variation 2876021 (VCV002876021.3), dbSNP rs779226751, ClinGen allele CA6171645.